The following is an entry in ClinVar:

ClinVar aggregate classification (germline): Benign/Likely benign. Review status: criteria provided, multiple submitters, no conflicts (2 of 4 stars). 8 submissions from 8 submitters: Benign (3); Likely benign (4). 1 of the submissions does not count toward it. Last evaluated 2026-09-01.

Conditions:
Glycogen storage disease IXa1. Also called: GLYCOGEN STORAGE DISEASE VIII; GSD VIII; LIVER GLYCOGENOSIS, X-LINKED, TYPE I; Glycogen storage disease 8. Identifiers: Orphanet 264580, MedGen C3694531, MONDO:0010598, OMIM 306000.

Allele frequency attached by ClinVar (database versions not stated): gnomAD exomes 0.00046 and 0.00147; ExAC 0.00367; gnomAD 0.00485 and 0.00520; 1000 Genomes Project 30x 0.00541; TOPMed 0.00557; 1000 Genomes Project 0.00583; ESP Exome Variant Server 0.00666.
gnomAD v4.1: 1,039 of 1,137,319 alleles (0.091%); highest among the groups gnomAD compares: African/African-American, 1.6%; 5 homozygotes.

Submissions (8):

CeGaT Center for Human Genetics Tuebingen
Classification: Benign. Last evaluated: 2026-09-01. Review status: criteria provided, single submitter. Criteria: CeGaT Center For Human Genetics Tuebingen Variant Classification Criteria Version 2. Collection method: clinical testing. Allele origin: germline. Affected: yes. Observed: 2 variant alleles.
Comment: PHKA2: PP3, BS1, BS2

Labcorp Genetics (formerly Invitae), Labcorp
Classification: Benign for Glycogen storage disease IXa1. Last evaluated: 2026-01-30. Review status: criteria provided, single submitter. Criteria: Invitae Variant Classification Sherloc (09022015). Collection method: clinical testing. Allele origin: germline.

ARUP Laboratories, Molecular Genetics and Genomics, ARUP Laboratories
Classification: Likely benign. Last evaluated: 2025-05-09. Review status: criteria provided, single submitter. Criteria: ARUP Molecular Germline Variant Investigation Process 2024. Collection method: clinical testing. Allele origin: germline.

Blueprint Genetics
Classification: Likely benign. Last evaluated: 2024-09-16. Review status: criteria provided, single submitter. Criteria: ACMG Guidelines, 2015. Collection method: clinical testing. Allele origin: germline.

Women's Health and Genetics/Laboratory Corporation of America, LabCorp
Classification: Likely benign. Last evaluated: 2022-02-18. Review status: criteria provided, single submitter. Criteria: LabCorp Variant Classification Summary - May 2015. Collection method: clinical testing. Allele origin: germline.

GeneDx
Classification: Benign. Last evaluated: 2017-05-03. Review status: criteria provided, single submitter. Criteria: GeneDx Variant Classification (06012015). Collection method: clinical testing. Allele origin: germline. Affected: yes.
Comment: This variant is considered likely benign or benign based on one or more of the following criteria: it is a conservative change, it occurs at a poorly conserved position in the protein, it is predicted to be benign by multiple in silico algorithms, and/or has population frequency not consistent with disease.

Breakthrough Genomics
Classification: Likely benign. Review status: criteria provided, single submitter. Criteria: ACMG Guidelines, 2015. Collection method: not provided. Allele origin: germline. Inheritance: X-linked inheritance. Affected: yes.

Mayo Clinic Laboratories, Mayo Clinic
Classification: Uncertain significance. Last evaluated: 2017-04-17. Review status: no assertion criteria provided. Collection method: clinical testing. Allele origin: unknown. Not counted in ClinVar's aggregate classification.

NM_000292.3(PHKA2):c.1246G>A (p.Gly416Arg)

Gene: PHKA2 (phosphorylase kinase regulatory subunit alpha 2; minus strand). Cytogenetic location: Xp22.13.
Variant type: single nucleotide variant.
Coding change: c.1246G>A on transcript NM_000292.3 (MANE Select); coding-DNA position 1246, G replaced by A.
Protein change: p.Gly416Arg; replaces glycine 416 with arginine.
Molecular consequence: missense variant.
Genome position (GRCh38, 1-based): chrX:18,929,306, C>T on the plus strand (G>A on the coding strand, the complement: PHKA2 is on the minus strand). VCF-style: chrX-18929306-C-T. GRCh37 (hg19) VCF-style: chrX-18947424-C-T.
Other names: short protein forms G416R.
Identifiers: ClinVar variation 506571 (VCV000506571.37), dbSNP rs16980929, ClinGen allele CA10361927.